The following is an entry in ClinVar:

ClinVar aggregate classification (germline): Benign. Review status: criteria provided, multiple submitters, no conflicts (2 of 4 stars). 5 submissions from 5 submitters: Benign (5). Last evaluated 2026-02-02.

Conditions:
Microcephalic osteodysplastic primordial dwarfism type II (MOPD2). Also called: Microcephalic osteodysplastic primordial dwarfism with tooth abnormalities; MOPD II; OSTEODYSPLASTIC PRIMORDIAL DWARFISM, TYPE II. Identifiers: Orphanet 2637, MedGen C0432246, MONDO:0008872, OMIM 210720.

Allele frequency attached by ClinVar (database versions not stated): gnomAD 0.04757 and 0.04944; ExAC 0.04882; ESP Exome Variant Server 0.05145; 1000 Genomes Project 30x 0.02249; 1000 Genomes Project 0.02296; TOPMed 0.04291; gnomAD exomes 0.04593 and 0.05539.
gnomAD v4.1: 87,862 of 1,612,398 alleles (5.4%); highest among the groups gnomAD compares: Non-Finnish European, 6.1%; 2,747 homozygotes.

Submissions 1 to 28 of 43:

Labcorp Genetics (formerly Invitae), Labcorp
Classification: Benign. Last evaluated: 2026-02-02. Review status: criteria provided, single submitter. Criteria: Invitae Variant Classification Sherloc (09022015). Collection method: clinical testing. Allele origin: germline.

Illumina Laboratory Services, Illumina
Classification: Benign for Microcephalic osteodysplastic primordial dwarfism type II. Last evaluated: 2018-01-13. Review status: criteria provided, single submitter. Criteria: ICSL Variant Classification Criteria 13 December 2019. Collection method: clinical testing. Allele origin: germline.
Comment: This variant was observed in the ICSL laboratory as part of a predisposition screen in an ostensibly healthy population. It had not been previously curated by ICSL or reported in the Human Gene Mutation Database (HGMD: prior to June 1st, 2018), and was therefore a candidate for classification through an automated scoring system. Utilizing variant allele frequency, disease prevalence and penetrance estimates, and inheritance mode, an automated score was calculated to assess if this variant is too frequent to cause the disease. Based on the score and internal cut-off values, a variant classified as benign is not then subjected to further curation. The score for this variant resulted in a classification of benign for this disease.

GeneDx
Classification: Benign. Last evaluated: 2014-03-31. Review status: criteria provided, single submitter. Criteria: GeneDx Variant Classification (06012015). Collection method: clinical testing. Allele origin: germline. Affected: yes.
Comment: This variant is considered likely benign or benign based on one or more of the following criteria: it is a conservative change, it occurs at a poorly conserved position in the protein, it is predicted to be benign by multiple in silico algorithms, and/or has population frequency not consistent with disease.

Genetic Services Laboratory, University of Chicago
Classification: Benign. Last evaluated: 2013-02-08. Review status: criteria provided, single submitter. Criteria: ACMG Guidelines, 2007. Collection method: clinical testing. Allele origin: germline. Inheritance: Autosomal recessive inheritance.

Breakthrough Genomics
Classification: Benign. Review status: criteria provided, single submitter. Criteria: ACMG Guidelines, 2015. Collection method: not provided. Allele origin: germline. Inheritance: Autosomal recessive inheritance. Affected: yes.

Dr. Peter K. Rogan Lab, Western University
No classification provided (evidence only). Condition: Colorectal cancer. Review status: no classification provided. Collection method: in vitro. Allele origin: not applicable. Functional consequence: retained intron. Not counted in ClinVar's aggregate classification.

Dr. Peter K. Rogan Lab, Western University
No classification provided (evidence only). Condition: Colorectal cancer. Review status: no classification provided. Collection method: in vitro. Allele origin: not applicable. Functional consequence: retained intron. Not counted in ClinVar's aggregate classification.

Dr. Peter K. Rogan Lab, Western University
No classification provided (evidence only). Condition: Uterine corpus endometrial carcinoma. Review status: no classification provided. Collection method: in vitro. Allele origin: not applicable. Functional consequence: retained intron. Not counted in ClinVar's aggregate classification.

Dr. Peter K. Rogan Lab, Western University
No classification provided (evidence only). Condition: Uterine corpus endometrial carcinoma. Review status: no classification provided. Collection method: in vitro. Allele origin: not applicable. Functional consequence: retained intron. Not counted in ClinVar's aggregate classification.

Dr. Peter K. Rogan Lab, Western University
No classification provided (evidence only). Condition: Uterine corpus endometrial carcinoma. Review status: no classification provided. Collection method: in vitro. Allele origin: not applicable. Functional consequence: retained intron. Not counted in ClinVar's aggregate classification.

Dr. Peter K. Rogan Lab, Western University
No classification provided (evidence only). Condition: Uterine corpus endometrial carcinoma. Review status: no classification provided. Collection method: in vitro. Allele origin: not applicable. Functional consequence: retained intron. Not counted in ClinVar's aggregate classification.

Dr. Peter K. Rogan Lab, Western University
No classification provided (evidence only). Condition: Uterine corpus endometrial carcinoma. Review status: no classification provided. Collection method: in vitro. Allele origin: not applicable. Functional consequence: retained intron. Not counted in ClinVar's aggregate classification.

Dr. Peter K. Rogan Lab, Western University
No classification provided (evidence only). Condition: Uterine corpus endometrial carcinoma. Review status: no classification provided. Collection method: in vitro. Allele origin: not applicable. Functional consequence: retained intron. Not counted in ClinVar's aggregate classification.

Dr. Peter K. Rogan Lab, Western University
No classification provided (evidence only). Condition: Nonpapillary renal cell carcinoma. Review status: no classification provided. Collection method: in vitro. Allele origin: not applicable. Functional consequence: retained intron. Not counted in ClinVar's aggregate classification.

Dr. Peter K. Rogan Lab, Western University
No classification provided (evidence only). Condition: Nonpapillary renal cell carcinoma. Review status: no classification provided. Collection method: in vitro. Allele origin: not applicable. Functional consequence: retained intron. Not counted in ClinVar's aggregate classification.

Dr. Peter K. Rogan Lab, Western University
No classification provided (evidence only). Condition: Nonpapillary renal cell carcinoma. Review status: no classification provided. Collection method: in vitro. Allele origin: not applicable. Functional consequence: retained intron. Not counted in ClinVar's aggregate classification.

Dr. Peter K. Rogan Lab, Western University
No classification provided (evidence only). Condition: Nonpapillary renal cell carcinoma. Review status: no classification provided. Collection method: in vitro. Allele origin: not applicable. Functional consequence: retained intron. Not counted in ClinVar's aggregate classification.

Dr. Peter K. Rogan Lab, Western University
No classification provided (evidence only). Condition: Thymoma. Review status: no classification provided. Collection method: in vitro. Allele origin: not applicable. Functional consequence: retained intron. Not counted in ClinVar's aggregate classification.

Dr. Peter K. Rogan Lab, Western University
No classification provided (evidence only). Condition: Thymoma. Review status: no classification provided. Collection method: in vitro. Allele origin: not applicable. Functional consequence: retained intron. Not counted in ClinVar's aggregate classification.

Dr. Peter K. Rogan Lab, Western University
No classification provided (evidence only). Condition: Thymoma. Review status: no classification provided. Collection method: in vitro. Allele origin: not applicable. Functional consequence: retained intron. Not counted in ClinVar's aggregate classification.

Dr. Peter K. Rogan Lab, Western University
No classification provided (evidence only). Condition: Thymoma. Review status: no classification provided. Collection method: in vitro. Allele origin: not applicable. Functional consequence: retained intron. Not counted in ClinVar's aggregate classification.

Dr. Peter K. Rogan Lab, Western University
No classification provided (evidence only). Condition: Thymoma. Review status: no classification provided. Collection method: in vitro. Allele origin: not applicable. Functional consequence: retained intron. Not counted in ClinVar's aggregate classification.

Dr. Peter K. Rogan Lab, Western University
No classification provided (evidence only). Condition: Thymoma. Review status: no classification provided. Collection method: in vitro. Allele origin: not applicable. Functional consequence: retained intron. Not counted in ClinVar's aggregate classification.

Dr. Peter K. Rogan Lab, Western University
No classification provided (evidence only). Condition: Adrenocortical carcinoma, hereditary. Review status: no classification provided. Collection method: in vitro. Allele origin: not applicable. Functional consequence: retained intron. Not counted in ClinVar's aggregate classification.

Dr. Peter K. Rogan Lab, Western University
No classification provided (evidence only). Condition: Uterine carcinosarcoma. Review status: no classification provided. Collection method: in vitro. Allele origin: not applicable. Functional consequence: retained intron. Not counted in ClinVar's aggregate classification.

Dr. Peter K. Rogan Lab, Western University
No classification provided (evidence only). Condition: Uterine carcinosarcoma. Review status: no classification provided. Collection method: in vitro. Allele origin: not applicable. Functional consequence: retained intron. Not counted in ClinVar's aggregate classification.

Dr. Peter K. Rogan Lab, Western University
No classification provided (evidence only). Condition: Uveal melanoma. Review status: no classification provided. Collection method: in vitro. Allele origin: not applicable. Functional consequence: retained intron. Not counted in ClinVar's aggregate classification.

Dr. Peter K. Rogan Lab, Western University
No classification provided (evidence only). Condition: Uveal melanoma. Review status: no classification provided. Collection method: in vitro. Allele origin: not applicable. Functional consequence: retained intron. Not counted in ClinVar's aggregate classification.

NM_006031.6(PCNT):c.7536G>A (p.Pro2512=)

Gene: PCNT (pericentrin; plus strand). Cytogenetic location: 21q22.3.
Variant type: single nucleotide variant.
Coding change: c.7536G>A on transcript NM_006031.6 (MANE Select); coding-DNA position 7536, G replaced by A.
Protein change: p.Pro2512=; no amino-acid change (proline 2512 retained).
Molecular consequence: synonymous variant.
Genome position (GRCh38, 1-based): chr21:46,428,436, G>A. VCF-style: chr21-46428436-G-A. GRCh37 (hg19) VCF-style: chr21-47848350-G-A.
Other names: p.P2512P:CCG>CCA; c.7182G>A, p.Pro2394= (NM_001315529.2).
Identifiers: ClinVar variation 138603 (VCV000138603.18), dbSNP rs61735818, ClinGen allele CA173094.
Genomic context (GRCh38, chr21:46,428,436, plus strand): 5'-TGTCCCATTGTGCCCCCAGGGAGACCTGCAGGAAAAGTCCCTGGAGCATCTTCGCTTGCC[G>A]GACCGGAGCAGCCTGCTGTCCGAGATCCAGGCGCTGCGTGCCCAGCTGCGCATGACGCAC-3'
Protein context (NP_006022.3, residues 2502-2522): QEKSLEHLRL[Pro2512=]DRSSLLSEIQ